The following is an entry in ClinVar:

ClinVar aggregate classification (germline): Likely benign (1 of 4 stars; one submission).

Allele frequency attached by ClinVar (database versions not stated): ExAC 0.00004.
gnomAD v4.1: 8 of 1,613,456 alleles (0.0005%); highest among the groups gnomAD compares: South Asian, 0.0077%; no homozygotes.

Submission:

GeneDx
Classification: Likely benign. Last evaluated: 2018-01-11. Review status: criteria provided, single submitter. Criteria: GeneDx Variant Classification (06012015). Collection method: clinical testing. Allele origin: germline. Affected: yes.
Comment: This variant is considered likely benign or benign based on one or more of the following criteria: it is a conservative change, it occurs at a poorly conserved position in the protein, it is predicted to be benign by multiple in silico algorithms, and/or has population frequency not consistent with disease.

NM_001267550.2(TTN):c.79681A>T (p.Ile26561Leu)

Genes: TTN-AS1 (TTN antisense RNA 1; plus strand), TTN (titin; minus strand). Cytogenetic location: 2q31.2.
Variant type: single nucleotide variant.
Coding change: c.79681A>T on transcript NM_001267550.2 (MANE Select); coding-DNA position 79681, A replaced by T.
Protein change: p.Ile26561Leu; replaces isoleucine 26561 with leucine.
Molecular consequence: missense variant.
Genome position (GRCh38, 1-based): chr2:178,566,451, T>A on the plus strand (A>T on the coding strand, the complement: TTN is on the minus strand). VCF-style: chr2-178566451-T-A. GRCh37 (hg19) VCF-style: chr2-179431178-T-A.
Other names: c.74758A>T, p.Ile24920Leu (NM_001256850.1); c.52486A>T, p.Ile17496Leu (NM_003319.4); c.71977A>T, p.Ile23993Leu (NM_133378.4); c.52861A>T, p.Ile17621Leu (NM_133432.3); c.53062A>T, p.Ile17688Leu (NM_133437.4); short protein forms I24920L, I26561L, I17621L, I17688L, I23993L, I17496L.
Identifiers: ClinVar variation 514869 (VCV000514869.1), dbSNP rs777951468, ClinGen allele CA1989447.